The following is an entry in ClinVar:

NM_002788.4(PSMA3):c.498C>T (p.Ile166=)

Gene: PSMA3 (proteasome 20S subunit alpha 3; plus strand). Cytogenetic location: 14q23.1.
Variant type: single nucleotide variant.
Coding change: c.498C>T on transcript NM_002788.4 (MANE Select); coding-DNA position 498, C replaced by T.
Protein change: p.Ile166=; no amino-acid change (isoleucine 166 retained).
Molecular consequence: synonymous variant. On other transcripts: non-coding transcript variant (1).
Genome position (GRCh38, 1-based): chr14:58,263,725, C>T. VCF-style: chr14-58263725-C-T. GRCh37 (hg19) VCF-style: chr14-58730443-C-T.
Other names: c.498C>T (NM_002788.3); c.477C>T, p.Ile159= (NM_152132.3).
Identifiers: ClinVar variation 1110202 (VCV001110202.11), dbSNP rs189216032, ClinGen allele CA7203812.

ClinVar aggregate classification (germline): Likely benign. Review status: criteria provided, multiple submitters, no conflicts (2 of 4 stars). 3 submissions from 3 submitters: Likely benign (3). Last evaluated 2026-01-21.

Conditions:
PSMA3-related disorder. Also called: PSMA3-related condition.

Allele frequency attached by ClinVar (database versions not stated): gnomAD exomes 0.00004 and 0.00008; ExAC 0.00008; 1000 Genomes Project 30x 0.00016; 1000 Genomes Project 0.00020; ESP Exome Variant Server 0.00023; gnomAD 0.00028 and 0.00030; TOPMed 0.00031.

Submissions (3):

Labcorp Genetics (formerly Invitae), Labcorp
Classification: Likely benign. Last evaluated: 2026-01-21. Review status: criteria provided, single submitter. Criteria: Invitae Variant Classification Sherloc (09022015). Collection method: clinical testing. Allele origin: germline.

PreventionGenetics, part of Exact Sciences
Classification: Likely benign for PSMA3-related condition. Last evaluated: 2025-03-13. Review status: criteria provided, single submitter. Criteria: ACMG Guidelines, 2015. Collection method: clinical testing. Allele origin: germline.
Comment: This variant is classified as likely benign based on ACMG/AMP sequence variant interpretation guidelines (Richards et al. 2015 PMID: 25741868, with internal and published modifications).

Breakthrough Genomics
Classification: Likely benign. Review status: criteria provided, single submitter. Criteria: ACMG Guidelines, 2015. Collection method: not provided. Allele origin: germline. Inheritance: Unknown mechanism. Affected: yes.